The following is an entry in ClinVar:

ClinVar aggregate classification (germline): Likely pathogenic (1 of 4 stars; one submission).

Conditions:
Capillary malformation-arteriovenous malformation 2 (CMAVM2). Identifiers: Orphanet 693912, MedGen C4748670, MONDO:0020785, OMIM 618196.

Submission:

Molecular Genetics, Royal Melbourne Hospital
Classification: Likely pathogenic for Capillary malformation-arteriovenous malformation 2. Last evaluated: 2022-03-03. Review status: criteria provided, single submitter. Criteria: ACMG Guidelines, 2015. Collection method: clinical testing. Allele origin: germline. Affected: yes.
Comment: This sequence change in EPHB4 is predicted to replace lysine with methionine at codon 137, p.(Lys137Met). The lysine residue is highly conserved (100 vertebrates, UCSC), and is located in the ephrin receptor ligand binding domain. There is a moderate physicochemical difference between lysine and methionine. This variant also falls at the 410 nucleotide of exon 3 of the EPHB4 coding sequence, which is part of the consensus donor splice site for this exon. This variant is absent from gnomAD v2.1 and v3.1. To our knowledge, this variant has not been reported in the literature in any individuals with EPHB4-related disease. Multiple lines of computational evidence predict a impact on splicing (SpliceAI, MaxEntScan, NNSplice), and predict a deleterious effect for the missense substitution (3/4 algorithms). This prediction is confirmed by RT-PCR mRNA studies in a patient with the variant. The assay demonstrated that the variant impacts splicing by predominantly producing activation of a cryptic donor within intron 3 (r.411_412ins[411+1_411+36], p.Lys137delinsMVPGCPQGSATAK). Mis-spliced transcripts are predicted to translated into an abnormal epinephrin receptor ligand binding domain, containing multiple ectopic amino acids. Increased intron 3 retention (r.411_412ins[411+1_412-1], p.Asp139Profs*27) was also detected (Splicing Diagnostics Kid's Neuroscience Centre). Based on the classification scheme RMH Modified ACMG Guidelines v1.3.1, this variant is classified as LIKELY PATHOGENIC. Following criteria are met: PS3, PS4_Supporting, PM2_Supporting, PP3.

NM_004444.5(EPHB4):c.410A>T (p.Lys137Met)

Gene: EPHB4 (EPH receptor B4; minus strand). Cytogenetic location: 7q22.1.
Variant type: single nucleotide variant.
Coding change: c.410A>T on transcript NM_004444.5 (MANE Select); coding-DNA position 410, A replaced by T.
Protein change: p.Lys137Met; replaces lysine 137 with methionine.
Molecular consequence: missense variant.
Genome position (GRCh38, 1-based): chr7:100,823,645, T>A on the plus strand (A>T on the coding strand, the complement: EPHB4 is on the minus strand). VCF-style: chr7-100823645-T-A. GRCh37 (hg19) VCF-style: chr7-100421267-T-A.
Other names: short protein forms K137M.
Identifiers: ClinVar variation 1678623 (VCV001678623.2), dbSNP rs1813296662, ClinGen allele CA368582276.